The following is an entry in ClinVar:

ClinVar aggregate classification (germline): Uncertain significance (1 of 4 stars; one submission).

Conditions:
Legius syndrome. Identifiers: Orphanet 137605, MedGen C1969623, MONDO:0012669, OMIM 611431. Disease mechanism: loss of function.

gnomAD v4.1: 1 of 1,613,820 alleles (0.000062%); highest among the groups gnomAD compares: Non-Finnish European, 0.000085%; no homozygotes.

Submission:

Labcorp Genetics (formerly Invitae), Labcorp
Classification: Uncertain significance for Legius syndrome. Last evaluated: 2023-03-08. Review status: criteria provided, single submitter. Criteria: Invitae Variant Classification Sherloc (09022015). Collection method: clinical testing. Allele origin: germline.
Comment: In summary, the available evidence is currently insufficient to determine the role of this variant in disease. Therefore, it has been classified as a Variant of Uncertain Significance. Advanced modeling of protein sequence and biophysical properties (such as structural, functional, and spatial information, amino acid conservation, physicochemical variation, residue mobility, and thermodynamic stability) performed at Invitae indicates that this missense variant is not expected to disrupt SPRED1 protein function. This variant has not been reported in the literature in individuals affected with SPRED1-related conditions. This variant is not present in population databases (gnomAD no frequency). This sequence change replaces alanine, which is neutral and non-polar, with valine, which is neutral and non-polar, at codon 183 of the SPRED1 protein (p.Ala183Val).

NM_152594.3(SPRED1):c.548C>T (p.Ala183Val)

Gene: SPRED1 (sprouty related EVH1 domain containing 1; plus strand). Cytogenetic location: 15q14.
Variant type: single nucleotide variant.
Coding change: c.548C>T on transcript NM_152594.3 (MANE Select); coding-DNA position 548, C replaced by T.
Protein change: p.Ala183Val; replaces alanine 183 with valine.
Molecular consequence: missense variant.
Genome position (GRCh38, 1-based): chr15:38,339,861, C>T. VCF-style: chr15-38339861-C-T. GRCh37 (hg19) VCF-style: chr15-38632062-C-T.
Other names: short protein forms A183V.
Identifiers: ClinVar variation 2906536 (VCV002906536.3), dbSNP rs1345908231, ClinGen allele CA391932676.